The following is an entry in ClinVar:

ClinVar aggregate classification (germline): Pathogenic/Likely pathogenic. Review status: criteria provided, multiple submitters, no conflicts (2 of 4 stars). 2 submissions from 2 submitters: Pathogenic (1); Likely pathogenic (1). Last evaluated 2025-12-29.

Conditions:
Neurodevelopmental disorder with language impairment and behavioral abnormalities. Also called: GRIA2-related neurodevelopmental disorder. Identifiers: MedGen C5394502, MONDO:0030060, OMIM 618917.

Submissions (2):

3billion
Classification: Pathogenic for Neurodevelopmental disorder with language impairment and behavioral abnormalities. Last evaluated: 2025-12-29. Review status: criteria provided, single submitter. Criteria: ACMG Guidelines, 2015. Collection method: clinical testing. Allele origin: germline. Affected: yes.
Comment: The variant is not observed in the gnomAD v4.1.0 dataset. Predicted Consequence/Location: The variant is located in a mutational hot spot and/or well-established functional domain in which established pathogenic variants have been reported. Missense variant. Missense changes are a common disease-causing mechanism. In silico tool predictions suggest damaging effect of the variant on gene or gene product [REVEL: 0.64 (>=0.6, sensitivity 0.68 and specificity 0.92); 3Cnet: 0.99 (> 0.75, sensitivity 0.96 and precision 0.92)]. The same nucleotide change resulting in the same amino acid change has been previously reported to be associated with GRIA2-related disorder (ClinVar ID: VCV001064414).The variant has been previously reported as de novo in a similarly affected individual (PMID: 31300657). Therefore, this variant is classified as Pathogenic according to the recommendation of ACMG/AMP guideline.

SIB Swiss Institute of Bioinformatics
Classification: Likely pathogenic for Neurodevelopmental disorder with language impairment and behavioral abnormalities. Last evaluated: 2021-04-01. Review status: criteria provided, single submitter. Criteria: ACMG Guidelines, 2015. Collection method: curation. Allele origin: unknown.
Comment: This variant is interpreted as a likely pathogenic for Neurodevelopmental disorder with language impairment and behavioral abnormalities, autosomal dominant. The following ACMG Tag(s) were applied: Absent from controls (or at extremely low frequency if recessive) in Exome Sequencing Project, 1000 Genomes Project, or Exome Aggregation Consortium (PM2); De novo (paternity and maternity confirmed) (PS2 downgraded to moderate); Multiple lines of computational evidence support a deleterious effect on the gene or gene product (PP3); Missense variant in a gene that has a low rate of benign missense variation and in which missense variants are a common mechanism of disease (PP2); Well-established functional studies show a deleterious effect (PS3 downgraded to supporting)

Literature cited by the submitters: PubMed 31300657 (cited by 3billion and SIB Swiss Institute of Bioinformatics).

NM_001083619.3(GRIA2):c.1937C>A (p.Thr646Asn)

Gene: GRIA2 (glutamate ionotropic receptor AMPA type subunit 2; plus strand). Cytogenetic location: 4q32.1.
Variant type: single nucleotide variant.
Coding change: c.1937C>A on transcript NM_001083619.3 (MANE Select); coding-DNA position 1937, C replaced by A.
Protein change: p.Thr646Asn; replaces threonine 646 with asparagine.
Molecular consequence: missense variant.
Genome position (GRCh38, 1-based): chr4:157,341,356, C>A. VCF-style: chr4-157341356-C-A. GRCh37 (hg19) VCF-style: chr4-158262508-C-A.
Other names: c.1937C>A, p.Thr646Asn (NM_000826.6); c.1796C>A, p.Thr599Asn (NM_001083620.3, NM_001379000.3, NM_001379001.3); short protein forms T599N, T646N.
Identifiers: ClinVar variation 1064414 (VCV001064414.2), dbSNP rs2126951773, ClinGen allele CA358648945.